The following is an entry in ClinVar:

ClinVar aggregate classification (germline): Uncertain significance. Review status: criteria provided, multiple submitters, no conflicts (2 of 4 stars). 3 submissions from 3 submitters: Uncertain significance (3). Last evaluated 2024-07-01.

Conditions:
Inborn genetic diseases. Identifiers: MedGen C0950123, MeSH D030342.

Allele frequency attached by ClinVar (database versions not stated): gnomAD exomes 0.00002; TOPMed 0.00002; ExAC 0.00003; gnomAD 0.00003.
gnomAD v4.1: 29 of 1,612,950 alleles (0.0018%); highest among the groups gnomAD compares: Non-Finnish European, 0.0022%; no homozygotes.

Submissions (3):

CeGaT Center for Human Genetics Tuebingen
Classification: Uncertain significance. Last evaluated: 2024-07-01. Review status: criteria provided, single submitter. Criteria: CeGaT Center For Human Genetics Tuebingen Variant Classification Criteria Version 2. Collection method: clinical testing. Allele origin: germline. Affected: yes. Observed: 1 variant allele.
Comment: VPS13D: PM2

Ambry Genetics
Classification: Uncertain significance for Inborn genetic diseases. Last evaluated: 2022-07-08. Review status: criteria provided, single submitter. Criteria: Ambry Variant Classification Scheme 2023. Collection method: clinical testing. Allele origin: germline.

Geisinger Autism and Developmental Medicine Institute, Geisinger Health System
Classification: Uncertain significance. Last evaluated: 2017-08-26. Review status: criteria provided, single submitter. Criteria: ACMG Guidelines, 2015. Collection method: provider interpretation, clinical testing. Allele origin: maternal. Observed: 1 variant allele.
Comment: At the time of report, the VPS13D gene had no clear association with human disease, although a de novo variant has been reported in a single individual with schizophrenia (McCarthy, 2014). The p.Tyr2812His variant is present at 0.002% in the gnomAD database. Computational models predict the variant to be damaging.

Literature cited by the submitters: PubMed 24776741 (cited by Geisinger Autism and Developmental Medicine Institute, Geisinger Health System).

NM_015378.4(VPS13D):c.8434T>C (p.Tyr2812His)

Gene: VPS13D (vacuolar protein sorting 13 homolog D; plus strand). Cytogenetic location: 1p36.22.
Variant type: single nucleotide variant.
Coding change: c.8434T>C on transcript NM_015378.4 (MANE Select); coding-DNA position 8434, T replaced by C.
Protein change: p.Tyr2812His; replaces tyrosine 2812 with histidine.
Molecular consequence: missense variant.
Genome position (GRCh38, 1-based): chr1:12,335,710, T>C. VCF-style: chr1-12335710-T-C. GRCh37 (hg19) VCF-style: chr1-12395767-T-C.
Other names: c.8434T>C, p.Tyr2812His (NM_018156.4, LRG_1213t1); c.8434T>C (NM_015378.2); short protein forms Y2812H.
Identifiers: ClinVar variation 560296 (VCV000560296.22), dbSNP rs774443148, ClinGen allele CA603122.